The following is an entry in ClinVar:

ClinVar aggregate classification (germline): Uncertain significance (1 of 4 stars; one submission).

Submission:

GeneDx
Classification: Uncertain significance. Last evaluated: 2025-06-02. Review status: criteria provided, single submitter. Criteria: GeneDx Variant Classification Process June 2021. Collection method: clinical testing. Allele origin: germline. Affected: yes.
Comment: Not observed at significant frequency in large population cohorts (gnomAD); In silico analysis supports that this missense variant has a deleterious effect on protein structure/function; Has not been previously published as pathogenic or benign to our knowledge

NM_005477.3(HCN4):c.712A>C (p.Lys238Gln)

Gene: HCN4 (hyperpolarization activated cyclic nucleotide gated potassium channel 4; minus strand). Cytogenetic location: 15q24.1.
Variant type: single nucleotide variant.
Coding change: c.712A>C on transcript NM_005477.3 (MANE Select); coding-DNA position 712, A replaced by C.
Protein change: p.Lys238Gln; replaces lysine 238 with glutamine.
Molecular consequence: missense variant.
Genome position (GRCh38, 1-based): chr15:73,367,559, T>G on the plus strand (A>C on the coding strand, the complement: HCN4 is on the minus strand). VCF-style: chr15-73367559-T-G. GRCh37 (hg19) VCF-style: chr15-73659900-T-G.
Other names: short protein forms K238Q.
Identifiers: ClinVar variation 4536495 (VCV004536495.1).
Genomic context (GRCh38, chr15:73,367,559, plus strand): 5'-AGGGGTGGATAATCCAAAATCCGGCCGACTTGACCCTCTCCTGTTCGCGCTCCACGGCTT[T>G]CTGGCTGCCGAACATCCTTAGGGAGAATTTGTTGACCCCGGGTTGGAGCATGGCCCCGAA-3'
Protein context (NP_005468.1, residues 228-248): KFSLRMFGSQ[Lys238Gln]AVEREQERVK